The following is an entry in ClinVar:

NM_003672.4(CDC14A):c.1055T>C (p.Ile352Thr)

Gene: CDC14A (cell division cycle 14A; plus strand). Cytogenetic location: 1p21.2.
Variant type: single nucleotide variant.
Coding change: c.1055T>C on transcript NM_003672.4 (MANE Select); coding-DNA position 1055, T replaced by C.
Protein change: p.Ile352Thr; replaces isoleucine 352 with threonine.
Molecular consequence: missense variant.
Genome position (GRCh38, 1-based): chr1:100,484,369, T>C. VCF-style: chr1-100484369-T-C. GRCh37 (hg19) VCF-style: chr1-100949925-T-C.
Other names: c.1055T>C, p.Ile352Thr (NM_001319210.2, NM_033312.3, NM_033313.3); c.881T>C, p.Ile294Thr (NM_001319211.2); c.176T>C, p.Ile59Thr (NM_001319212.2); short protein forms I59T, I294T, I352T.
Identifiers: ClinVar variation 2026157 (VCV002026157.4), dbSNP rs2524415258, ClinGen allele CA341354674.

ClinVar aggregate classification (germline): Uncertain significance (1 of 4 stars; one submission).

Submission:

Labcorp Genetics (formerly Invitae), Labcorp
Classification: Uncertain significance. Last evaluated: 2022-08-22. Review status: criteria provided, single submitter. Criteria: Invitae Variant Classification Sherloc (09022015). Collection method: clinical testing. Allele origin: germline.
Comment: In summary, the available evidence is currently insufficient to determine the role of this variant in disease. Therefore, it has been classified as a Variant of Uncertain Significance. Algorithms developed to predict the effect of missense changes on protein structure and function are either unavailable or do not agree on the potential impact of this missense change (SIFT: "Deleterious"; PolyPhen-2: "Benign"; Align-GVGD: "Class C0"). This variant has not been reported in the literature in individuals affected with CDC14A-related conditions. This variant is not present in population databases (gnomAD no frequency). This sequence change replaces isoleucine, which is neutral and non-polar, with threonine, which is neutral and polar, at codon 352 of the CDC14A protein (p.Ile352Thr).